The following is an entry in ClinVar:

NM_003242.6(TGFBR2):c.1016G>T (p.Arg339Leu)

Gene: TGFBR2 (transforming growth factor beta receptor 2; plus strand). Cytogenetic location: 3p24.1.
Variant type: single nucleotide variant.
Coding change: c.1016G>T on transcript NM_003242.6 (MANE Select); coding-DNA position 1016, G replaced by T.
Protein change: p.Arg339Leu; replaces arginine 339 with leucine.
Molecular consequence: missense variant.
Genome position (GRCh38, 1-based): chr3:30,672,199, G>T. VCF-style: chr3-30672199-G-T. GRCh37 (hg19) VCF-style: chr3-30713691-G-T.
Other names: p.R339L:CGG>CTG; c.1091G>T, p.Arg364Leu (NM_001024847.3); c.1199G>T, p.Arg400Leu (NM_001407126.1); c.1124G>T, p.Arg375Leu (NM_001407127.1); c.1043G>T, p.Arg348Leu (NM_001407128.1); c.1019G>T, p.Arg340Leu (NM_001407129.1); c.1016G>T, p.Arg339Leu (NM_001407130.1); c.911G>T, p.Arg304Leu (NM_001407132.1, NM_001407133.1, NM_001407134.1 and 2 more transcripts); and 2 more; short protein forms R339L, R364L, R340L, R400L, R219L, R244L, R304L, R375L.
Identifiers: ClinVar variation 213945 (VCV000213945.9), dbSNP rs727503473, ClinGen allele CA323392.

ClinVar aggregate classification (germline): Uncertain significance. Review status: criteria provided, multiple submitters, no conflicts (2 of 4 stars). 3 submissions from 3 submitters: Uncertain significance (3). Last evaluated 2024-03-06.

Conditions:
Familial thoracic aortic aneurysm and aortic dissection (TAAD). Also called: Thoracic aortic aneurysms and dissections. Identifiers: Orphanet 91387, MedGen C4707243, MONDO:0019625.

gnomAD v4.1: 2 of 1,612,124 alleles (0.00012%); highest among the groups gnomAD compares: Non-Finnish European, 0.00017%; no homozygotes.

Submissions (3):

Color Diagnostics, LLC DBA Color Health
Classification: Uncertain significance for Familial thoracic aortic aneurysm and aortic dissection. Last evaluated: 2024-03-06. Review status: criteria provided, single submitter. Criteria: ACMG Guidelines, 2015. Collection method: clinical testing. Allele origin: germline.
Comment: This missense variant replaces arginine with leucine at codon 339 of the TGFBR2 protein. Computational prediction suggests that this variant may not impact protein structure and function (internally defined REVEL score threshold <= 0.5, PMID: 27666373). To our knowledge, functional studies have not been reported for this variant. This variant has not been reported in individuals affected with cardiovascular disorders in the literature. This variant has been identified in 1/250830 chromosomes in the general population by the Genome Aggregation Database (gnomAD). The available evidence is insufficient to determine the role of this variant in disease conclusively. Therefore, this variant is classified as a Variant of Uncertain Significance.

Labcorp Genetics (formerly Invitae), Labcorp
Classification: Uncertain significance for Familial thoracic aortic aneurysm and aortic dissection. Last evaluated: 2024-01-25. Review status: criteria provided, single submitter. Criteria: Invitae Variant Classification Sherloc (09022015). Collection method: clinical testing. Allele origin: germline.
Comment: This sequence change replaces arginine, which is basic and polar, with leucine, which is neutral and non-polar, at codon 339 of the TGFBR2 protein (p.Arg339Leu). The frequency data for this variant in the population databases is considered unreliable, as metrics indicate poor data quality at this position in the gnomAD database. This variant has not been reported in the literature in individuals affected with TGFBR2-related conditions. ClinVar contains an entry for this variant (Variation ID: 213945). Advanced modeling of protein sequence and biophysical properties (such as structural, functional, and spatial information, amino acid conservation, physicochemical variation, residue mobility, and thermodynamic stability) performed at Invitae indicates that this missense variant is not expected to disrupt TGFBR2 protein function with a negative predictive value of 95%. In summary, the available evidence is currently insufficient to determine the role of this variant in disease. Therefore, it has been classified as a Variant of Uncertain Significance.

GeneDx
Classification: Uncertain significance. Last evaluated: 2014-09-23. Review status: criteria provided, single submitter. Criteria: GeneDx Variant Classification (06012015). Collection method: clinical testing. Allele origin: germline. Affected: yes.
Comment: The R339L variant has not been published as a mutation, nor has it been reported as a benign polymorphism to our knowledge. The R339L variant was not observed in approximately 6,500 individuals of European and African American ancestry in the NHLBI Exome Sequencing Project, indicating it is not a common benign variant in these populations. The R339L variant is a non-conservative amino acid substitution, which is likely to impact secondary protein structure as these residues differ in polarity, charge, size and/or other properties. This substitution occurs at a position that is conserved among mammals. Additionally, a missense mutation in a nearby residue (Y336N) has been reported in association with a TAAD-related disorder, supporting the functional importance of this region of the protein. However, in silico analysis is inconsistent in its predictions as to whether or not the variant is damaging to the protein structure/function. Therefore, based on the currently available information, it is unclear whether this variant is a pathogenic mutation or a rare benign variant. This variant was found in TAAD